The following is an entry in ClinVar:

NM_033380.3(COL4A5):c.2905C>T (p.Pro969Ser)

Gene: COL4A5 (collagen type IV alpha 5 chain; plus strand). Cytogenetic location: Xq22.3.
Variant type: single nucleotide variant.
Coding change: c.2905C>T on transcript NM_033380.3 (MANE Select); coding-DNA position 2905, C replaced by T.
Protein change: p.Pro969Ser; replaces proline 969 with serine.
Molecular consequence: missense variant.
Genome position (GRCh38, 1-based): chrX:108,622,813, C>T. VCF-style: chrX-108622813-C-T. GRCh37 (hg19) VCF-style: chrX-107866043-C-T.
Other names: c.2905C>T, p.Pro969Ser (NM_000495.5); short protein forms P969S.
Identifiers: ClinVar variation 2084135 (VCV002084135.1), dbSNP rs748478614, ClinGen allele CA413853035.

ClinVar aggregate classification (germline): Uncertain significance (1 of 4 stars; one submission).

Allele frequency attached by ClinVar (database versions not stated): gnomAD 0.00001.
gnomAD v4.1: 1 of 1,206,910 alleles (0.000083%); highest among the groups gnomAD compares: African/African-American, 0.0018%; no homozygotes.

Submission:

Labcorp Genetics (formerly Invitae), Labcorp
Classification: Uncertain significance. Last evaluated: 2022-08-06. Review status: criteria provided, single submitter. Criteria: Invitae Variant Classification Sherloc (09022015). Collection method: clinical testing. Allele origin: germline.
Comment: This sequence change replaces proline, which is neutral and non-polar, with serine, which is neutral and polar, at codon 969 of the COL4A5 protein (p.Pro969Ser). This variant is not present in population databases (gnomAD no frequency). This variant has not been reported in the literature in individuals affected with COL4A5-related conditions. Advanced modeling of protein sequence and biophysical properties (such as structural, functional, and spatial information, amino acid conservation, physicochemical variation, residue mobility, and thermodynamic stability) performed at Invitae indicates that this missense variant is not expected to disrupt COL4A5 protein function. In summary, the available evidence is currently insufficient to determine the role of this variant in disease. Therefore, it has been classified as a Variant of Uncertain Significance.